The following is an entry in ClinVar:

ClinVar aggregate classification (germline): Uncertain significance. Review status: criteria provided, multiple submitters, no conflicts (2 of 4 stars). 2 submissions from 2 submitters: Uncertain significance (2). Last evaluated 2022-05-31.

Conditions:
Retinitis pigmentosa 73 (RP73). Identifiers: Orphanet 791, MedGen C4225287, MONDO:0014687, OMIM 616544.
Mucopolysaccharidosis, MPS-III-C (MPS3C). Also called: SANFILIPPO SYNDROME C; MPS III C; Mucopolysaccharidosis type IIIC (Sanfilippo C); MUCOPOLYSACCHARIDOSIS, TYPE IIIC; mucopolysaccharidosis type 3C; MPS IIIC (Sanfilippo Syndrome Type C). Identifiers: Orphanet 581, Orphanet 79271, MedGen C0086649, MONDO:0009657, OMIM 252930.

Allele frequency attached by ClinVar (database versions not stated): gnomAD exomes below 0.00001; TOPMed below 0.00001; gnomAD 0.00001.
gnomAD v4.1: 6 of 1,613,768 alleles (0.00037%); highest among the groups gnomAD compares: African/African-American, 0.0053%; no homozygotes.

Submissions (2):

Labcorp Genetics (formerly Invitae), Labcorp
Classification: Uncertain significance for Retinitis pigmentosa 73; Mucopolysaccharidosis, MPS-III-C. Last evaluated: 2022-05-31. Review status: criteria provided, single submitter. Criteria: Invitae Variant Classification Sherloc (09022015). Collection method: clinical testing. Allele origin: germline.
Comment: In summary, the available evidence is currently insufficient to determine the role of this variant in disease. Therefore, it has been classified as a Variant of Uncertain Significance. Advanced modeling of protein sequence and biophysical properties (such as structural, functional, and spatial information, amino acid conservation, physicochemical variation, residue mobility, and thermodynamic stability) performed at Invitae indicates that this missense variant is not expected to disrupt HGSNAT protein function. This variant has not been reported in the literature in individuals affected with HGSNAT-related conditions. This variant is not present in population databases (gnomAD no frequency). This sequence change replaces valine, which is neutral and non-polar, with methionine, which is neutral and non-polar, at codon 343 of the HGSNAT protein (p.Val343Met).

Blueprint Genetics
Classification: Uncertain significance. Last evaluated: 2021-12-09. Review status: criteria provided, single submitter. Criteria: ACMG Guidelines, 2015. Collection method: clinical testing. Allele origin: germline.

NM_152419.3(HGSNAT):c.1027G>A (p.Val343Met)

Gene: HGSNAT (heparan-alpha-glucosaminide N-acetyltransferase; plus strand). Cytogenetic location: 8p11.21.
Variant type: single nucleotide variant.
Coding change: c.1027G>A on transcript NM_152419.3 (MANE Select); coding-DNA position 1027, G replaced by A.
Protein change: p.Val343Met; replaces valine 343 with methionine.
Molecular consequence: missense variant.
Genome position (GRCh38, 1-based): chr8:43,182,159, G>A. VCF-style: chr8-43182159-G-A. GRCh37 (hg19) VCF-style: chr8-43037302-G-A.
Other names: c.1027G>A, p.Val343Met (NM_001363227.2); c.835G>A, p.Val279Met (NM_001363228.2); c.163G>A, p.Val55Met (NM_001363229.2); short protein forms V279M, V55M, V343M.
Identifiers: ClinVar variation 1976194 (VCV001976194.5), dbSNP rs1276314637, ClinGen allele CA371118328.